The following is an entry in ClinVar:

ClinVar aggregate classification (germline): Uncertain significance (1 of 4 stars; one submission).

Conditions:
Cardiomyopathy (CMYO). Also called: Cardiomyopathies. Identifiers: Orphanet 167848, MedGen C0878544, MONDO:0004994, HP:0001638. Inheritance: Various modes of inheritance.

gnomAD v4.1: 17 of 1,613,384 alleles (0.0011%); highest among the groups gnomAD compares: East Asian, 0.0022%; no homozygotes.

Submission:

Petrovsky National Research Centre of Surgery, The Federal Agency for Scientific Organizations
Classification: Uncertain significance for Cardiomyopathy. Last evaluated: 2025-11-18. Review status: criteria provided, single submitter. Criteria: ACMG Guidelines, 2015. Collection method: clinical testing. Allele origin: germline. Affected: yes.
Comment: The variant is extremely rare in population databases (gnomAD v4.1.0 MAF 0.00001054). In accordance with ACMG (2015) criteria, this variant is classified as Variant of Uncertain Significance (Class III) with the following criterion applied: PM2.

NM_005157.6(ABL1):c.3326C>T (p.Ala1109Val)

Gene: ABL1 (ABL proto-oncogene 1, non-receptor tyrosine kinase; plus strand). Cytogenetic location: 9q34.12.
Variant type: single nucleotide variant.
Coding change: c.3326C>T on transcript NM_005157.6 (MANE Select); coding-DNA position 3326, C replaced by T.
Protein change: p.Ala1109Val; replaces alanine 1109 with valine.
Molecular consequence: missense variant.
Genome position (GRCh38, 1-based): chr9:130,885,616, C>T. VCF-style: chr9-130885616-C-T. GRCh37 (hg19) VCF-style: chr9-133761003-C-T.
Other names: c.3383C>T, p.Ala1128Val (NM_007313.3); short protein forms A1109V, A1128V.
Identifiers: ClinVar variation 4530679 (VCV004530679.1).
Genomic context (GRCh38, chr9:130,885,616, plus strand): 5'-AACTGGAGAATAATCTCCGGGAGCTTCAGATCTGCCCGGCGACAGCAGGCAGTGGTCCAG[C>T]GGCCACTCAGGACTTCAGCAAGCTCCTCAGTTCGGTGAAGGAAATCAGTGACATAGTGCA-3'
Protein context (NP_005148.2, residues 1099-1119): ICPATAGSGP[Ala1109Val]ATQDFSKLLS